The following is an entry in ClinVar:

NM_001371596.2(MFSD8):c.350C>T (p.Ala117Val)

Gene: MFSD8 (major facilitator superfamily domain containing 8; minus strand). Cytogenetic location: 4q28.2.
Variant type: single nucleotide variant.
Coding change: c.350C>T on transcript NM_001371596.2 (MANE Select); coding-DNA position 350, C replaced by T.
Protein change: p.Ala117Val; replaces alanine 117 with valine.
Molecular consequence: missense variant.
Genome position (GRCh38, 1-based): chr4:127,943,841, G>A on the plus strand (C>T on the coding strand, the complement: MFSD8 is on the minus strand). VCF-style: chr4-127943841-G-A. GRCh37 (hg19) VCF-style: chr4-128864996-G-A.
Other names: c.350C>T, p.Ala117Val (NM_001363520.3, NM_001363521.3, NM_001371591.2 and 5 more transcripts); c.215C>T, p.Ala72Val (NM_001371590.2, NM_001371595.1, NM_001410765.1); short protein forms A117V, A72V.
Identifiers: ClinVar variation 3907925 (VCV003907925.1).
Genomic context (GRCh38, chr4:127,943,841, plus strand): 5'-ACCAGCATGTAGTATTTATTATGAGAAGCTGGGATGTGGAGATATGCATAGAGGCAGTTG[G>A]CTGCCACGGAAATCAAGATGGAGACAATAAGAGGCTCTTTTCTTGGTCTATAATTAGACC-3'
Protein context (NP_001358525.1, residues 107-127): LIVSILISVA[Ala117Val]NCLYAYLHIP

ClinVar aggregate classification (germline): Uncertain significance (1 of 4 stars; one submission).

Submission:

GeneDx
Classification: Uncertain significance. Last evaluated: 2024-12-27. Review status: criteria provided, single submitter. Criteria: GeneDx Variant Classification Process June 2021. Collection method: clinical testing. Allele origin: germline. Affected: yes.
Comment: Not observed at significant frequency in large population cohorts (gnomAD); In silico analysis supports that this missense variant has a deleterious effect on protein structure/function; Has not been previously published as pathogenic or benign to our knowledge